The following is an entry in ClinVar:

ClinVar aggregate classification (germline): Uncertain significance. Review status: criteria provided, multiple submitters, no conflicts (2 of 4 stars). 3 submissions from 3 submitters: Uncertain significance (2). 1 of the submissions does not count toward it. Last evaluated 2023-11-10.

Conditions:
Retinal dystrophy. Also called: Inherited retinal dystrophy. Identifiers: Orphanet 71862, MedGen C0854723, MeSH D058499, MONDO:0019118, HP:0000556.

Allele frequency attached by ClinVar (database versions not stated): ExAC 0.00001; gnomAD 0.00001; TOPMed 0.00001; gnomAD exomes 0.00002.
gnomAD v4.1: 24 of 1,613,870 alleles (0.0015%); highest among the groups gnomAD compares: Middle Eastern, 0.034%; no homozygotes.

Submissions (3):

Blueprint Genetics
Classification: Uncertain significance. Last evaluated: 2023-11-10. Review status: criteria provided, single submitter. Criteria: ACMG Guidelines, 2015. Collection method: clinical testing. Allele origin: germline.

Labcorp Genetics (formerly Invitae), Labcorp
Classification: Uncertain significance. Last evaluated: 2022-06-08. Review status: criteria provided, single submitter. Criteria: Invitae Variant Classification Sherloc (09022015). Collection method: clinical testing. Allele origin: germline.
Comment: In summary, the available evidence is currently insufficient to determine the role of this variant in disease. Therefore, it has been classified as a Variant of Uncertain Significance. Algorithms developed to predict the effect of missense changes on protein structure and function are either unavailable or do not agree on the potential impact of this missense change (SIFT: "Deleterious"; PolyPhen-2: "Probably Damaging"; Align-GVGD: "Class C0"). This variant has not been reported in the literature in individuals affected with IMPG2-related conditions. The frequency data for this variant in the population databases is considered unreliable, as metrics indicate poor data quality at this position in the gnomAD database. This sequence change replaces proline, which is neutral and non-polar, with leucine, which is neutral and non-polar, at codon 1161 of the IMPG2 protein (p.Pro1161Leu).

Institute of Human Genetics, Univ. Regensburg, Univ. Regensburg
Classification: Uncertain significance for Retinal dystrophy. Last evaluated: 2018-01-01. Review status: no assertion criteria provided. Criteria: ACMG Guidelines, 2015. Collection method: clinical testing. Allele origin: germline. Affected: yes. Not counted in ClinVar's aggregate classification.

NM_016247.4(IMPG2):c.3482C>T (p.Pro1161Leu)

Gene: IMPG2 (interphotoreceptor matrix proteoglycan 2; minus strand). Cytogenetic location: 3q12.3.
Variant type: single nucleotide variant.
Coding change: c.3482C>T on transcript NM_016247.4 (MANE Select); coding-DNA position 3482, C replaced by T.
Protein change: p.Pro1161Leu; replaces proline 1161 with leucine.
Molecular consequence: missense variant.
Genome position (GRCh38, 1-based): chr3:101,229,531, G>A on the plus strand (C>T on the coding strand, the complement: IMPG2 is on the minus strand). VCF-style: chr3-101229531-G-A. GRCh37 (hg19) VCF-style: chr3-100948375-G-A.
Other names: short protein forms P1161L.
Identifiers: ClinVar variation 2069937 (VCV002069937.4), dbSNP rs768189143, ClinGen allele CA2518742.